The following is an entry in ClinVar:

ClinVar aggregate classification (germline): Pathogenic. Review status: criteria provided, multiple submitters, no conflicts (2 of 4 stars). 5 submissions from 5 submitters: Pathogenic (5). Last evaluated 2024-03-14.

Conditions:
PLOD3-related disorder. Also called: PLOD3-related condition.
Bone fragility with contractures, arterial rupture, and deafness. Also called: LH3 DEFICIENCY; LYSYL HYDROXYLASE 3 DEFICIENCY; BCARD SYNDROME; BONE ABNORMALITIES, CATARACT, ARTERIAL RUPTURE, AND DEAFNESS. Identifiers: Orphanet 300284, MedGen C2676285, MONDO:0012892, OMIM 612394.

Allele frequency attached by ClinVar (database versions not stated): gnomAD 0.00001; TOPMed 0.00002.
gnomAD v4.1: 4 of 1,599,280 alleles (0.00025%); highest among the groups gnomAD compares: African/African-American, 0.0027%; no homozygotes.

Submissions (5):

Genomic Medicine Center of Excellence, King Faisal Specialist Hospital and Research Centre
Classification: Pathogenic for Bone fragility with contractures, arterial rupture, and deafness. Last evaluated: 2024-03-14. Review status: criteria provided, single submitter. Criteria: ACMG Guidelines, 2015. Collection method: research. Allele origin: germline.

PreventionGenetics, part of Exact Sciences
Classification: Pathogenic for PLOD3-related condition. Last evaluated: 2023-08-17. Review status: criteria provided, single submitter. Criteria: ACMG Guidelines, 2015. Collection method: clinical testing. Allele origin: germline.
Comment: The PLOD3 c.1354C>T variant is predicted to result in premature protein termination (p.Arg452*). This variant in the homozygous or along with a second variant in this gene was reported in at least two individuals with dysmorphic facies, microcephaly, ptosis and contractures, or Fetal akinesia (see example: Maddirevula et al 2018. PubMed ID: 30237576; Cao et al. 2021. PubMed ID: 33743358). This variant is reported in 0.0032% of alleles in individuals of Latino descent in gnomAD. Nonsense variants in PLOD3 are expected to be pathogenic. This variant is interpreted as pathogenic.

GeneDx
Classification: Pathogenic. Last evaluated: 2023-07-28. Review status: criteria provided, single submitter. Criteria: GeneDx Variant Classification Process June 2021. Collection method: clinical testing. Allele origin: germline. Affected: yes.
Comment: Nonsense variant predicted to result in protein truncation or nonsense mediated decay in a gene for which loss of function is a known mechanism of disease; Not observed at significant frequency in large population cohorts (gnomAD); This variant is associated with the following publications: (PMID: 31130284, 30237576)

Division of Medical Genetics, Department of Pediatrics, All India Institute of Medical Sciences, New Delhi
Classification: Pathogenic for Bone fragility with contractures, arterial rupture, and deafness. Last evaluated: 2023-06-15. Review status: criteria provided, single submitter. Criteria: ACMG Guidelines, 2015. Collection method: research. Allele origin: germline. Affected: yes.

Labcorp Genetics (formerly Invitae), Labcorp
Classification: Pathogenic. Last evaluated: 2022-10-10. Review status: criteria provided, single submitter. Criteria: Invitae Variant Classification Sherloc (09022015). Collection method: clinical testing. Allele origin: germline.
Comment: This premature translational stop signal has been observed in individual(s) with clinical features of PLOD3-related conditions (PMID: 30237576). The frequency data for this variant in the population databases is considered unreliable, as metrics indicate poor data quality at this position in the gnomAD database. This sequence change creates a premature translational stop signal (p.Arg452*) in the PLOD3 gene. It is expected to result in an absent or disrupted protein product. Loss-of-function variants in PLOD3 are known to be pathogenic (PMID: 30237576). For these reasons, this variant has been classified as Pathogenic. Algorithms developed to predict the effect of sequence changes on RNA splicing suggest that this variant may create or strengthen a splice site.

Literature cited by the submitters: PubMed 30237576 (cited by Labcorp Genetics (formerly Invitae), Labcorp).

NM_001084.5(PLOD3):c.1354C>T (p.Arg452Ter)

Gene: PLOD3 (procollagen-lysine,2-oxoglutarate 5-dioxygenase 3; minus strand). Cytogenetic location: 7q22.1.
Variant type: single nucleotide variant.
Coding change: c.1354C>T on transcript NM_001084.5 (MANE Select); coding-DNA position 1354, C replaced by T.
Protein change: p.Arg452Ter; replaces arginine 452 with a stop codon.
Molecular consequence: nonsense.
Genome position (GRCh38, 1-based): chr7:101,211,595, G>A on the plus strand (C>T on the coding strand, the complement: PLOD3 is on the minus strand). VCF-style: chr7-101211595-G-A. GRCh37 (hg19) VCF-style: chr7-100854876-G-A.
Other names: c.1354C>T (NM_001084.4, NM_001084.3); short protein forms R452*.
Identifiers: ClinVar variation 2159445 (VCV002159445.9), dbSNP rs749921338, ClinGen allele CA368616869.